The following is an entry in ClinVar:

NM_138691.3(TMC1):c.1705A>G (p.Thr569Ala)

Gene: TMC1 (transmembrane channel like 1; plus strand). Cytogenetic location: 9q21.13.
Variant type: single nucleotide variant.
Coding change: c.1705A>G on transcript NM_138691.3 (MANE Select); coding-DNA position 1705, A replaced by G.
Protein change: p.Thr569Ala; replaces threonine 569 with alanine.
Molecular consequence: missense variant.
Genome position (GRCh38, 1-based): chr9:72,816,152, A>G. VCF-style: chr9-72816152-A-G. GRCh37 (hg19) VCF-style: chr9-75431068-A-G.
Other names: short protein forms T569A.
Identifiers: ClinVar variation 229317 (VCV000229317.15), dbSNP rs148971770, ClinGen allele CA5082046.

ClinVar aggregate classification (germline): Uncertain significance. Review status: criteria provided, multiple submitters, no conflicts (2 of 4 stars). 5 submissions from 5 submitters: Uncertain significance (5). Last evaluated 2026-09-30.

Conditions:
TMC1-related disorder. Also called: TMC1-related disorders; TMC1-related condition.

Allele frequency attached by ClinVar (database versions not stated): gnomAD 0.00016 and 0.00017; ExAC 0.00026; gnomAD exomes 0.00022 and 0.00020; TOPMed 0.00013.
gnomAD v4.1: 308 of 1,613,398 alleles (0.019%); highest among the groups gnomAD compares: Middle Eastern, 0.05%; no homozygotes.

Submissions (5):

GeneDx
Classification: Uncertain significance. Last evaluated: 2026-09-30. Review status: criteria provided, single submitter. Criteria: GeneDx Variant Classification Process June 2021. Collection method: clinical testing. Allele origin: germline.
Comment: Identified as a heterozygous variant in a family with autosomal dominant hearing loss; the family harbored a variant in another gene thought to be causative of the hearing loss (PMID: 31655630); In silico analysis suggests that this missense variant does not alter protein structure/function; This variant is associated with the following publications: (PMID: 31655630)

PreventionGenetics, part of Exact Sciences
Classification: Uncertain significance for TMC1-related condition. Last evaluated: 2026-05-27. Review status: criteria provided, single submitter. Criteria: ACMG Guidelines, 2015. Collection method: clinical testing. Allele origin: germline.
Comment: The TMC1 c.1705A>G variant is predicted to result in the amino acid substitution p.Thr569Ala. To our knowledge, this variant has not been reported in the literature. This variant is reported in 0.044% of alleles in individuals of European (Non-Finnish) descent in gnomAD. At this time, the clinical significance of this variant is uncertain due to the absence of conclusive functional and genetic evidence.

Labcorp Genetics (formerly Invitae), Labcorp
Classification: Uncertain significance. Last evaluated: 2025-12-15. Review status: criteria provided, single submitter. Criteria: Invitae Variant Classification Sherloc (09022015). Collection method: clinical testing. Allele origin: germline.
Comment: This sequence change replaces threonine, which is neutral and polar, with alanine, which is neutral and non-polar, at codon 569 of the TMC1 protein (p.Thr569Ala). This variant is present in population databases (rs148971770, gnomAD 0.04%). This variant has not been reported in the literature in individuals affected with TMC1-related conditions. ClinVar contains an entry for this variant (Variation ID: 229317). Invitae Evidence Modeling of protein sequence and biophysical properties (such as structural, functional, and spatial information, amino acid conservation, physicochemical variation, residue mobility, and thermodynamic stability) indicates that this missense variant is not expected to disrupt TMC1 protein function with a negative predictive value of 95%. In summary, the available evidence is currently insufficient to determine the role of this variant in disease. Therefore, it has been classified as a Variant of Uncertain Significance.

Blueprint Genetics
Classification: Uncertain significance. Last evaluated: 2024-10-18. Review status: criteria provided, single submitter. Criteria: ACMG Guidelines, 2015. Collection method: clinical testing. Allele origin: germline.

Laboratory for Molecular Medicine, Mass General Brigham Personalized Medicine
Classification: Uncertain significance. Last evaluated: 2015-11-24. Review status: criteria provided, single submitter. Criteria: LMM Criteria. Collection method: clinical testing. Allele origin: germline. Observed: 1 variant allele.
Comment: Variant classified as Uncertain Significance - Favor Benign. The p.Thr569Ala var iant in TMC1 has not been previously identified in individuals with hearing loss , but has been identified in 29/66722 European chromosomes by the Exome Aggregat ion Consortium (ExAC; dbSNP rs148971770). Comput ational prediction tools and conservation analysis suggest that the p.Thr569Ala variant may not impact the protein, though this information is not predictive en ough to rule out pathogenicity. In summary, while the clinical significance of t he p.Thr569Ala variant is uncertain, these data suggest that it is more likely t o be benign.